The following is an entry in ClinVar:

NM_020928.2(ZSWIM6):c.3268A>G (p.Ile1090Val)

Gene: ZSWIM6 (zinc finger SWIM-type containing 6; plus strand). Cytogenetic location: 5q12.1.
Variant type: single nucleotide variant.
Coding change: c.3268A>G on transcript NM_020928.2 (MANE Select); coding-DNA position 3268, A replaced by G.
Protein change: p.Ile1090Val; replaces isoleucine 1090 with valine.
Molecular consequence: missense variant.
Genome position (GRCh38, 1-based): chr5:61,543,937, A>G. VCF-style: chr5-61543937-A-G. GRCh37 (hg19) VCF-style: chr5-60839764-A-G.
Other names: c.3268A>G (NM_020928.1); short protein forms I1090V.
Identifiers: ClinVar variation 1915728 (VCV001915728.6), dbSNP rs1463195021, ClinGen allele CA359947233.

ClinVar aggregate classification (germline): Uncertain significance. Review status: criteria provided, multiple submitters, no conflicts (2 of 4 stars). 2 submissions from 2 submitters: Uncertain significance (2). Last evaluated 2025-05-17.

Conditions:
Inborn genetic diseases. Identifiers: MedGen C0950123, MeSH D030342.

Allele frequency attached by ClinVar (database versions not stated): gnomAD 0.00001; gnomAD exomes 0.00001.
gnomAD v4.1: 13 of 1,551,744 alleles (0.00084%); highest among the groups gnomAD compares: South Asian, 0.0036%; no homozygotes.

Submissions (2):

Ambry Genetics
Classification: Uncertain significance for Inborn genetic diseases. Last evaluated: 2025-05-17. Review status: criteria provided, single submitter. Criteria: Ambry Variant Classification Scheme 2023. Collection method: clinical testing. Allele origin: germline.

Labcorp Genetics (formerly Invitae), Labcorp
Classification: Uncertain significance. Last evaluated: 2024-08-13. Review status: criteria provided, single submitter. Criteria: Invitae Variant Classification Sherloc (09022015). Collection method: clinical testing. Allele origin: germline.
Comment: This sequence change replaces isoleucine, which is neutral and non-polar, with valine, which is neutral and non-polar, at codon 1090 of the ZSWIM6 protein (p.Ile1090Val). This variant is present in population databases (no rsID available, gnomAD 0.009%). This variant has not been reported in the literature in individuals affected with ZSWIM6-related conditions. ClinVar contains an entry for this variant (Variation ID: 1915728). Advanced modeling of protein sequence and biophysical properties (such as structural, functional, and spatial information, amino acid conservation, physicochemical variation, residue mobility, and thermodynamic stability) performed at Invitae indicates that this missense variant is not expected to disrupt ZSWIM6 protein function with a negative predictive value of 80%. In summary, the available evidence is currently insufficient to determine the role of this variant in disease. Therefore, it has been classified as a Variant of Uncertain Significance.